The following is an entry in ClinVar:

ClinVar aggregate classification (germline): Pathogenic (0 of 4 stars; one submission).

Conditions:
Long QT syndrome (LQTS). Identifiers: MedGen C0023976, MeSH D008133, MONDO:0002442, HP:0001657. Disease mechanism: loss of function. Inheritance: Various modes of inheritance.

Submission:

Agnes Ginges Centre for Molecular Cardiology, Centenary Institute
Classification: Pathogenic for Long QT syndrome. Last evaluated: 2019-04-02. Review status: no assertion criteria provided. Collection method: research. Allele origin: germline. Inheritance: Autosomal dominant inheritance. Affected: yes.
Comment: This variant has been identified as part of our research program. For further information please feel free to contact us.

NM_000238.4(KCNH2):c.1909G>T (p.Glu637Ter)

Gene: KCNH2 (potassium voltage-gated channel subfamily H member 2; minus strand). Cytogenetic location: 7q36.1.
Variant type: single nucleotide variant.
Coding change: c.1909G>T on transcript NM_000238.4 (MANE Select); coding-DNA position 1909, G replaced by T.
Protein change: p.Glu637Ter; replaces glutamic acid 637 with a stop codon.
Molecular consequence: nonsense.
Genome position (GRCh38, 1-based): chr7:150,951,484, C>A on the plus strand (G>T on the coding strand, the complement: KCNH2 is on the minus strand). VCF-style: chr7-150951484-C-A. GRCh37 (hg19) VCF-style: chr7-150648572-C-A.
Other names: c.889G>T, p.Glu297Ter (NM_001204798.2, NM_172057.3); c.1621G>T, p.Glu541Ter (NM_001406753.1, NM_001406756.1); c.1732G>T, p.Glu578Ter (NM_001406755.1); c.1609G>T, p.Glu537Ter (NM_001406757.1); c.1909G>T, p.Glu637Ter (NM_172056.3); short protein forms E297*, E637*, E537*, E578*, E541*.
Identifiers: ClinVar variation 977166 (VCV000977166.3), dbSNP rs199472968, ClinGen allele CA369857863.
Genomic context (GRCh38, chr7:150,951,484, plus strand): 5'-CCGCCCGCCCCTGGGCACACTCACAGCCAATGAGCATGACGCAGATGGAGAAGATCTTCT[C>A]TGAGTTGGTGTTGGGAGAGACGTTGCCGAAGCCCACACTGGTGAGGCTGCTGAAGGTGAA-3'